The following is an entry in ClinVar:

ClinVar aggregate classification (germline): Uncertain significance. Review status: criteria provided, multiple submitters, no conflicts (2 of 4 stars). 2 submissions from 2 submitters: Uncertain significance (2). Last evaluated 2025-08-26.

Conditions:
Inborn genetic diseases. Identifiers: MedGen C0950123, MeSH D030342.
Alkaptonuria (AKU). Also called: Homogentisic acidura; HOMOGENTISIC ACID OXIDASE DEFICIENCY; Alkaptonuric ochronosis; Alcaptonuria. Identifiers: Orphanet 56, MedGen C0002066, MONDO:0008753, OMIM 203500.

Allele frequency attached by ClinVar (database versions not stated): gnomAD 0.00001; gnomAD exomes 0.00001; TOPMed 0.00002.
gnomAD v4.1: 9 of 1,613,944 alleles (0.00056%); highest among the groups gnomAD compares: Middle Eastern, 0.016%; no homozygotes.

Submissions (2):

Ambry Genetics
Classification: Uncertain significance for Inborn genetic diseases. Last evaluated: 2025-08-26. Review status: criteria provided, single submitter. Criteria: Ambry Variant Classification Scheme 2023. Collection method: clinical testing. Allele origin: germline.

Labcorp Genetics (formerly Invitae), Labcorp
Classification: Uncertain significance for Alkaptonuria. Last evaluated: 2021-09-01. Review status: criteria provided, single submitter. Criteria: Invitae Variant Classification Sherloc (09022015). Collection method: clinical testing. Allele origin: germline.
Comment: This sequence change replaces arginine with histidine at codon 237 of the HGD protein (p.Arg237His). The arginine residue is highly conserved and there is a small physicochemical difference between arginine and histidine. This variant is not present in population databases (ExAC no frequency). This variant has not been reported in the literature in individuals affected with HGD-related conditions. Algorithms developed to predict the effect of missense changes on protein structure and function output the following: SIFT: "Deleterious"; PolyPhen-2: "Possibly Damaging"; Align-GVGD: "Class C0". The histidine amino acid residue is found in multiple mammalian species, which suggests that this missense change does not adversely affect protein function. In summary, the available evidence is currently insufficient to determine the role of this variant in disease. Therefore, it has been classified as a Variant of Uncertain Significance.

NM_000187.4(HGD):c.710G>A (p.Arg237His)

Gene: HGD (homogentisate 1,2-dioxygenase; minus strand). Cytogenetic location: 3q13.33.
Variant type: single nucleotide variant.
Coding change: c.710G>A on transcript NM_000187.4 (MANE Select); coding-DNA position 710, G replaced by A.
Protein change: p.Arg237His; replaces arginine 237 with histidine.
Molecular consequence: missense variant.
Genome position (GRCh38, 1-based): chr3:120,644,383, C>T on the plus strand (G>A on the coding strand, the complement: HGD is on the minus strand). VCF-style: chr3-120644383-C-T. GRCh37 (hg19) VCF-style: chr3-120363230-C-T.
Other names: short protein forms R237H.
Identifiers: ClinVar variation 964334 (VCV000964334.8), dbSNP rs866509210, ClinGen allele CA81785648.